The following is an entry in ClinVar:

ClinVar aggregate classification (germline): Uncertain significance. Review status: criteria provided, single submitter (1 of 4 stars). 2 submissions from 2 submitters: Uncertain significance (1). 1 of the submissions does not count toward it. Last evaluated 2024-01-22.

Conditions:
Argininosuccinate lyase deficiency. Also called: ARGININOSUCCINIC ACID LYASE DEFICIENCY; ASL DEFICIENCY; Argininosuccinic aciduria. Identifiers: Orphanet 23, MedGen C0268547, MONDO:0008815, OMIM 207900, HP:0025630.

gnomAD v4.1: 3 of 1,613,624 alleles (0.00019%); highest among the groups gnomAD compares: Admixed American, 0.0033%; no homozygotes.

Submissions (2):

Labcorp Genetics (formerly Invitae), Labcorp
Classification: Uncertain significance for Argininosuccinate lyase deficiency. Last evaluated: 2024-01-22. Review status: criteria provided, single submitter. Criteria: Invitae Variant Classification Sherloc (09022015). Collection method: clinical testing. Allele origin: germline.
Comment: This sequence change replaces asparagine, which is neutral and polar, with lysine, which is basic and polar, at codon 359 of the ASL protein (p.Asn359Lys). This variant is not present in population databases (gnomAD no frequency). This variant has not been reported in the literature in individuals affected with ASL-related conditions. ClinVar contains an entry for this variant (Variation ID: 841073). Advanced modeling of protein sequence and biophysical properties (such as structural, functional, and spatial information, amino acid conservation, physicochemical variation, residue mobility, and thermodynamic stability) has been performed at Invitae for this missense variant, however the output from this modeling did not meet the statistical confidence thresholds required to predict the impact of this variant on ASL protein function. In summary, the available evidence is currently insufficient to determine the role of this variant in disease. Therefore, it has been classified as a Variant of Uncertain Significance.

Natera, Inc.
Classification: Uncertain significance for Argininosuccinate lyase deficiency. Last evaluated: 2025-01-31. Review status: no assertion criteria provided. Collection method: clinical testing. Allele origin: germline. Not counted in ClinVar's aggregate classification.

NM_000048.4(ASL):c.1077C>G (p.Asn359Lys)

Gene: ASL (argininosuccinate lyase; plus strand). Cytogenetic location: 7q11.21.
Variant type: single nucleotide variant.
Coding change: c.1077C>G on transcript NM_000048.4 (MANE Select); coding-DNA position 1077, C replaced by G.
Protein change: p.Asn359Lys; replaces asparagine 359 with lysine.
Molecular consequence: missense variant.
Genome position (GRCh38, 1-based): chr7:66,092,020, C>G. VCF-style: chr7-66092020-C-G. GRCh37 (hg19) VCF-style: chr7-65557007-C-G.
Other names: c.1077C>G, p.Asn359Lys (NM_001024943.2); c.1017C>G, p.Asn339Lys (NM_001024944.2); c.999C>G, p.Asn333Lys (NM_001024946.2); short protein forms N333K, N339K, N359K.
Identifiers: ClinVar variation 841073 (VCV000841073.4), dbSNP rs372785881, ClinGen allele CA367650100.